The following is an entry in ClinVar:

NM_002500.5(NEUROD1):c.863A>T (p.Glu288Val)

Gene: NEUROD1 (neuronal differentiation 1; minus strand). Cytogenetic location: 2q31.3.
Variant type: single nucleotide variant.
Coding change: c.863A>T on transcript NM_002500.5 (MANE Select); coding-DNA position 863, A replaced by T.
Protein change: p.Glu288Val; replaces glutamic acid 288 with valine.
Molecular consequence: missense variant.
Genome position (GRCh38, 1-based): chr2:181,677,998, T>A on the plus strand (A>T on the coding strand, the complement: NEUROD1 is on the minus strand). VCF-style: chr2-181677998-T-A. GRCh37 (hg19) VCF-style: chr2-182542725-T-A.
Other names: short protein forms E288V.
Identifiers: ClinVar variation 2712143 (VCV002712143.3), dbSNP rs2468609099, ClinGen allele CA349782809.
Genomic context (GRCh38, chr2:181,677,998, plus strand): 5'-AGTGTCGCTGCAGGATAGTGCATGGTAAAGGCATAATTTTTCTCAAACTCGGCGGACGGT[T>A]CGTGTTTGAAAGAGAAGTTGCCATTGATGCTGAGCGGCGGGCTGAGGGGTCCATCAAAGG-3'
Protein context (NP_002491.3, residues 278-298): SINGNFSFKH[Glu288Val]PSAEFEKNYA

ClinVar aggregate classification (germline): Uncertain significance (1 of 4 stars; one submission).

Submission:

Labcorp Genetics (formerly Invitae), Labcorp
Classification: Uncertain significance. Last evaluated: 2023-06-11. Review status: criteria provided, single submitter. Criteria: Invitae Variant Classification Sherloc (09022015). Collection method: clinical testing. Allele origin: germline.
Comment: In summary, the available evidence is currently insufficient to determine the role of this variant in disease. Therefore, it has been classified as a Variant of Uncertain Significance. This sequence change replaces glutamic acid, which is acidic and polar, with valine, which is neutral and non-polar, at codon 288 of the NEUROD1 protein (p.Glu288Val). This variant is not present in population databases (gnomAD no frequency). This variant has not been reported in the literature in individuals affected with NEUROD1-related conditions. Advanced modeling of protein sequence and biophysical properties (such as structural, functional, and spatial information, amino acid conservation, physicochemical variation, residue mobility, and thermodynamic stability) has been performed at Invitae for this missense variant, however the output from this modeling did not meet the statistical confidence thresholds required to predict the impact of this variant on NEUROD1 protein function.